The following is an entry in ClinVar:

ClinVar aggregate classification (germline): Uncertain significance (1 of 4 stars; one submission).

Conditions:
Hereditary cancer-predisposing syndrome. Also called: Neoplastic Syndromes, Hereditary; Hereditary Cancer Syndrome; Hereditary neoplastic syndrome; Tumor predisposition. Identifiers: Orphanet 140162, MedGen C0027672, MeSH D009386, MONDO:0015356.

gnomAD v4.1: 1 of 1,614,106 alleles (0.000062%); highest among the groups gnomAD compares: East Asian, 0.0022%; no homozygotes.

Submission:

Ambry Genetics
Classification: Uncertain significance for Hereditary cancer-predisposing syndrome. Last evaluated: 2023-05-21. Review status: criteria provided, single submitter. Criteria: Ambry Variant Classification Scheme 2023. Collection method: clinical testing. Allele origin: germline.
Comment: The p.Q1134R variant (also known as c.3401A>G), located in coding exon 21 of the ALK gene, results from an A to G substitution at nucleotide position 3401. The glutamine at codon 1134 is replaced by arginine, an amino acid with highly similar properties. This amino acid position is conserved. In addition, this alteration is predicted to be deleterious by in silico analysis. Since supporting evidence is limited at this time, the clinical significance of this alteration remains unclear.

NM_004304.5(ALK):c.3401A>G (p.Gln1134Arg)

Gene: ALK (ALK receptor tyrosine kinase; minus strand). Cytogenetic location: 2p23.2.
Variant type: single nucleotide variant.
Coding change: c.3401A>G on transcript NM_004304.5 (MANE Select); coding-DNA position 3401, A replaced by G.
Protein change: p.Gln1134Arg; replaces glutamine 1134 with arginine.
Molecular consequence: missense variant.
Genome position (GRCh38, 1-based): chr2:29,222,566, T>C on the plus strand (A>G on the coding strand, the complement: ALK is on the minus strand). VCF-style: chr2-29222566-T-C. GRCh37 (hg19) VCF-style: chr2-29445432-T-C.
Other names: c.197A>G, p.Gln66Arg (NM_001353765.2); short protein forms Q1134R, Q66R.
Identifiers: ClinVar variation 2562266 (VCV002562266.2), dbSNP rs1172239019, ClinGen allele CA346463957.